The following is an entry in ClinVar:

ClinVar aggregate classification (germline): Benign. Review status: criteria provided, multiple submitters, no conflicts (2 of 4 stars). 3 submissions from 2 submitters: Benign (3). Last evaluated 2018-01-12.

Conditions:
Severe early-childhood-onset retinal dystrophy (STGD1). Also called: STGD; Stargardt macular dystrophy; Juvenile onset macular degeneration; Stargardt disease 1; MACULAR DYSTROPHY WITH FLECKS, TYPE 1. Identifiers: Orphanet 364055, Orphanet 827, MedGen C1855465, MeSH D000080362, MONDO:0009549, OMIM 248200.
Achromatopsia 3 (ACHM3). Also called: PINGELAPESE BLINDNESS; TOTAL COLORBLINDNESS WITH MYOPIA; ROD MONOCHROMACY 1; ROD MONOCHROMATISM 1; ACHROMATOPSIA WITH MYOPIA. Identifiers: Orphanet 49382, MedGen C1849792, MONDO:0009875, OMIM 262300.

Allele frequency attached by ClinVar (database versions not stated): 1000 Genomes Project 0.03115; 1000 Genomes Project 30x 0.03217; TOPMed 0.06909.

Submissions (3):

Illumina Laboratory Services, Illumina
Classification: Benign for Severe early-childhood-onset retinal dystrophy. Last evaluated: 2018-01-12. Review status: criteria provided, single submitter. Criteria: ICSL Variant Classification Criteria 13 December 2019. Collection method: clinical testing. Allele origin: germline.
Comment: This variant was observed in the ICSL laboratory as part of a predisposition screen in an ostensibly healthy population. It had not been previously curated by ICSL or reported in the Human Gene Mutation Database (HGMD: prior to June 1st, 2018), and was therefore a candidate for classification through an automated scoring system. Utilizing variant allele frequency, disease prevalence and penetrance estimates, and inheritance mode, an automated score was calculated to assess if this variant is too frequent to cause the disease. Based on the score and internal cut-off values, a variant classified as benign is not then subjected to further curation. The score for this variant resulted in a classification of benign for this disease.

Illumina Laboratory Services, Illumina
Classification: Benign for Achromatopsia 3. Last evaluated: 2018-01-12. Review status: criteria provided, single submitter. Criteria: ICSL Variant Classification Criteria 13 December 2019. Collection method: clinical testing. Allele origin: germline.
Comment: the same text as in the submission from Illumina Laboratory Services, Illumina above.

Breakthrough Genomics
Classification: Benign. Review status: criteria provided, single submitter. Criteria: ACMG Guidelines, 2015. Collection method: not provided. Allele origin: germline. Inheritance: Autosomal recessive inheritance. Affected: yes.

NM_019098.5(CNGB3):c.*1303G>A

Gene: CNGB3 (cyclic nucleotide gated channel subunit beta 3; minus strand). Cytogenetic location: 8q21.3.
Variant type: single nucleotide variant.
Coding change: c.*1303G>A on transcript NM_019098.5 (MANE Select); 1303 bases downstream of the stop codon, G replaced by A.
Molecular consequence: 3 prime UTR variant.
Genome position (GRCh38, 1-based): chr8:86,574,501, C>T on the plus strand (G>A on the coding strand, the complement: CNGB3 is on the minus strand). VCF-style: chr8-86574501-C-T. GRCh37 (hg19) VCF-style: chr8-87586729-C-T.
Identifiers: ClinVar variation 363850 (VCV000363850.6), dbSNP rs17683284, ClinGen allele CA10631678.